The following is an entry in ClinVar:

ClinVar aggregate classification (germline): Likely benign (1 of 4 stars; one submission).

Conditions:
Histidinemia. Also called: Hyperhistidinemia; Deficiency of histidine ammonia-lyase; HAL DEFICIENCY; HIS DEFICIENCY; HISTIDASE DEFICIENCY; HISTIDINE AMMONIA-LYASE DEFICIENCY. Identifiers: Orphanet 2157, MedGen C0220992, MONDO:0009345, OMIM 235800, HP:0010906.

Allele frequency attached by ClinVar (database versions not stated): TOPMed 0.00221; 1000 Genomes Project 30x 0.01015; 1000 Genomes Project 0.01058.

Submission:

Illumina Laboratory Services, Illumina
Classification: Likely benign for Histidinemia. Last evaluated: 2018-01-12. Review status: criteria provided, single submitter. Criteria: ICSL Variant Classification Criteria 13 December 2019. Collection method: clinical testing. Allele origin: germline.
Comment: This variant was observed in the ICSL laboratory as part of a predisposition screen in an ostensibly healthy population. It had not been previously curated by ICSL or reported in the Human Gene Mutation Database (HGMD: prior to June 1st, 2018), and was therefore a candidate for classification through an automated scoring system. Utilizing variant allele frequency, disease prevalence and penetrance estimates, and inheritance mode, an automated score was calculated to assess if this variant is too frequent to cause the disease. Based on the score and internal cut-off values, a variant classified as likely benign is not then subjected to further curation. The score for this variant resulted in a classification of likely benign for this disease.

NM_002108.4(HAL):c.*836C>T

Gene: HAL (histidine ammonia-lyase; minus strand). Cytogenetic location: 12q23.1.
Variant type: single nucleotide variant.
Coding change: c.*836C>T on transcript NM_002108.4 (MANE Select); 836 bases downstream of the stop codon, C replaced by T.
Molecular consequence: 3 prime UTR variant.
Genome position (GRCh38, 1-based): chr12:95,973,396, G>A on the plus strand (C>T on the coding strand, the complement: HAL is on the minus strand). VCF-style: chr12-95973396-G-A. GRCh37 (hg19) VCF-style: chr12-96367174-G-A.
Other names: c.*836C>T (NM_001258333.2); c.*964C>T (NM_001258334.2).
Identifiers: ClinVar variation 310685 (VCV000310685.5), dbSNP rs117951758, ClinGen allele CA10643541.